The following is an entry in ClinVar:

NM_001005242.3(PKP2):c.95T>G (p.Leu32Arg)

Gene: PKP2 (plakophilin 2; minus strand). Cytogenetic location: 12p11.21.
Variant type: single nucleotide variant.
Coding change: c.95T>G on transcript NM_001005242.3 (MANE Select); coding-DNA position 95, T replaced by G.
Protein change: p.Leu32Arg; replaces leucine 32 with arginine.
Molecular consequence: missense variant.
Genome position (GRCh38, 1-based): chr12:32,896,637, A>C on the plus strand (T>G on the coding strand, the complement: PKP2 is on the minus strand). VCF-style: chr12-32896637-A-C. GRCh37 (hg19) VCF-style: chr12-33049571-A-C.
Other names: c.95T>G, p.Leu32Arg (NM_004572.4); short protein forms L32R.
Identifiers: ClinVar variation 1423366 (VCV001423366.6), dbSNP rs1011184194, ClinGen allele CA235280733.

ClinVar aggregate classification (germline): Uncertain significance (1 of 4 stars; one submission).

Conditions:
Arrhythmogenic right ventricular dysplasia 9 (ARVD9). Also called: Arrhythmogenic Right Ventricular Dysplasia/Cardiomyopathy 9; ARRHYTHMOGENIC RIGHT VENTRICULAR DYSPLASIA, FAMILIAL, 9. Identifiers: MedGen C1836906, MONDO:0012180, OMIM 609040.

Submission:

Labcorp Genetics (formerly Invitae), Labcorp
Classification: Uncertain significance for Arrhythmogenic right ventricular dysplasia 9. Last evaluated: 2022-04-19. Review status: criteria provided, single submitter. Criteria: Invitae Variant Classification Sherloc (09022015). Collection method: clinical testing. Allele origin: germline.
Comment: In summary, the available evidence is currently insufficient to determine the role of this variant in disease. Therefore, it has been classified as a Variant of Uncertain Significance. Algorithms developed to predict the effect of missense changes on protein structure and function (SIFT, PolyPhen-2, Align-GVGD) all suggest that this variant is likely to be disruptive. This variant has not been reported in the literature in individuals affected with PKP2-related conditions. This variant is not present in population databases (gnomAD no frequency). This sequence change replaces leucine, which is neutral and non-polar, with arginine, which is basic and polar, at codon 32 of the PKP2 protein (p.Leu32Arg).